The following is an entry in ClinVar:

NM_000158.4(GBE1):c.1935-1C>A

Gene: GBE1 (1,4-alpha-glucan branching enzyme 1; minus strand). Cytogenetic location: 3p12.2.
Variant type: single nucleotide variant.
Coding change: c.1935-1C>A on transcript NM_000158.4 (MANE Select); the canonical splice acceptor site of the intron before coding-DNA position 1935, C replaced by A.
Molecular consequence: splice acceptor variant.
Genome position (GRCh38, 1-based): chr3:81,499,228, G>T on the plus strand (C>A on the coding strand, the complement: GBE1 is on the minus strand). VCF-style: chr3-81499228-G-T. GRCh37 (hg19) VCF-style: chr3-81548379-G-T.
Other names: c.1935-1C>A (NM_000158.3).
Identifiers: ClinVar variation 2675848 (VCV002675848.2), dbSNP rs1475447884, ClinGen allele CA353684539.

ClinVar aggregate classification (germline): Likely pathogenic. Review status: criteria provided, multiple submitters, no conflicts (2 of 4 stars). 2 submissions from 2 submitters: Likely pathogenic (2). Last evaluated 2025-10-02.

Conditions:
Glycogen storage disease, type IV (GSD4). Also called: AMYLOPECTINOSIS; ANDERSEN DISEASE; BRANCHER DEFICIENCY; CIRRHOSIS, FAMILIAL, WITH DEPOSITION OF ABNORMAL GLYCOGEN; GBE1 DEFICIENCY; GLYCOGEN BRANCHING ENZYME DEFICIENCY. Identifiers: Orphanet 367, MedGen C0017923, MONDO:0009292, OMIM 232500.

Submissions (2):

Natera, Inc.
Classification: Likely pathogenic for Glycogen storage disease type IV. Last evaluated: 2025-10-02. Review status: criteria provided, single submitter. Criteria: Natera Variant Classification Schema (03/2026). Collection method: clinical testing. Allele origin: germline.
Comment: The c.1935-1C>A variant in GBE1 is a canonical splice acceptor site variant predicted to affect pre-mRNA splicing, which may result in an abnormal transcript and altered protein product. This variant is expected to result in nonsense mediated decay, truncation, or a dysfunctional protein product. This variant is rare in the general population with a frequency below the threshold expected for the associated phenotype(s). Given the available evidence, this variant is classified as Likely Pathogenic.

Baylor Genetics
Classification: Likely pathogenic for Glycogen storage disease, type IV. Last evaluated: 2023-10-09. Review status: criteria provided, single submitter. Criteria: ACMG Guidelines, 2015. Collection method: clinical testing. Allele origin: unknown.